The following is an entry in ClinVar:

ClinVar aggregate classification (germline): Benign/Likely benign. Review status: criteria provided, multiple submitters, no conflicts (2 of 4 stars). 11 submissions from 11 submitters: Benign (4); Likely benign (4). 3 of the submissions do not count toward it. Last evaluated 2026-07-01.

Conditions:
Cornelia de Lange syndrome 1 (CDLS1). Also called: NIPBL-Related Cornelia de Lange Syndrome; TYPUS DEGENERATIVUS AMSTELODAMENSIS; Brachmann de Lange syndrome. Identifiers: Orphanet 199, MedGen C4551851, MONDO:0007387, OMIM 122470.

Submissions (11):

CeGaT Center for Human Genetics Tuebingen
Classification: Likely benign. Last evaluated: 2026-07-01. Review status: criteria provided, single submitter. Criteria: CeGaT Center For Human Genetics Tuebingen Variant Classification Criteria Version 2. Collection method: clinical testing. Allele origin: germline. Affected: yes. Observed: 11 variant alleles.
Comment: NIPBL: BP4, BS1

Labcorp Genetics (formerly Invitae), Labcorp
Classification: Benign for Cornelia de Lange syndrome 1. Last evaluated: 2026-01-13. Review status: criteria provided, single submitter. Criteria: Invitae Variant Classification Sherloc (09022015). Collection method: clinical testing. Allele origin: germline.

Blueprint Genetics
Classification: Likely benign. Last evaluated: 2024-11-19. Review status: criteria provided, single submitter. Criteria: ACMG Guidelines, 2015. Collection method: clinical testing. Allele origin: germline.

Genome-Nilou Lab
Classification: Benign for Cornelia de Lange syndrome 1. Last evaluated: 2021-07-15. Review status: criteria provided, single submitter. Criteria: ACMG Guidelines, 2015. Collection method: clinical testing. Allele origin: germline. Affected: no.

GeneDx
Classification: Likely benign. Last evaluated: 2016-11-29. Review status: criteria provided, single submitter. Criteria: GeneDx Variant Classification (06012015). Collection method: clinical testing. Allele origin: germline. Affected: yes.
Comment: This variant is considered likely benign or benign based on one or more of the following criteria: it is a conservative change, it occurs at a poorly conserved position in the protein, it is predicted to be benign by multiple in silico algorithms, and/or has population frequency not consistent with disease.

Eurofins Ntd Llc (ga)
Classification: Benign. Last evaluated: 2015-03-16. Review status: criteria provided, single submitter. Criteria: EGL Classification Definitions 2015. Collection method: clinical testing. Allele origin: germline. Observed: 2 variant alleles, 2 heterozygotes.

Genetic Services Laboratory, University of Chicago
Classification: Benign. Last evaluated: 2013-02-08. Review status: criteria provided, single submitter. Criteria: ACMG Guidelines, 2007. Collection method: clinical testing. Allele origin: germline.

PreventionGenetics, part of Exact Sciences
Classification: Likely benign. Review status: criteria provided, single submitter. Criteria: ACMG Guidelines, 2015. Collection method: clinical testing. Allele origin: germline.

Clinical Genetics DNA and cytogenetics Diagnostics Lab, Erasmus MC, Erasmus Medical Center
Classification: Likely benign. Review status: no assertion criteria provided. Collection method: clinical testing. Allele origin: germline. Affected: yes. Study: VKGL Data-share Consensus. Not counted in ClinVar's aggregate classification.

Diagnostic Laboratory, Department of Genetics, University Medical Center Groningen
Classification: Likely benign. Review status: no assertion criteria provided. Collection method: clinical testing. Allele origin: germline. Affected: yes. Study: VKGL Data-share Consensus. Not counted in ClinVar's aggregate classification.

Laboratory of Diagnostic Genome Analysis, Leiden University Medical Center (LUMC)
Classification: Likely benign. Review status: no assertion criteria provided. Collection method: clinical testing. Allele origin: germline. Affected: yes. Study: VKGL Data-share Consensus. Not counted in ClinVar's aggregate classification.

NM_133433.4(NIPBL):c.1495+8_1495+10del

Gene: NIPBL (NIPBL cohesin loading factor; plus strand). Cytogenetic location: 5p13.2.
Variant type: Microsatellite.
Coding change: c.1495+8_1495+10del on transcript NM_133433.4 (MANE Select); bases 8 to 10 of the intron after coding-DNA position 1495, 3 bases deleted (AAT; older notation c.1495+8_1495+10delAAT).
Molecular consequence: intron variant.
Genome position (GRCh38, 1-based): chr5:36,976,410-36,976,412, AAT deleted; deleting any 3 consecutive bases within chr5:36,976,407-36,976,412 gives the same sequence; the c. name uses the placement nearest the transcript's 3' end. VCF-style (leftmost placement, unchanged base first): chr5-36976406-AAAT-A. GRCh37 (hg19) VCF-style: chr5-36976508-AAAT-A.
Other names: c.1495+8_1495+10del (NM_015384.5).
Identifiers: ClinVar variation 96330 (VCV000096330.51), dbSNP rs398124464, ClinGen allele CA149434.